The following is an entry in ClinVar:

ClinVar aggregate classification (germline): Uncertain significance (1 of 4 stars; one submission).

Submission:

Greenwood Genetic Center Diagnostic Laboratories, Greenwood Genetic Center
Classification: Uncertain significance. Last evaluated: 2022-04-27. Review status: criteria provided, single submitter. Criteria: ACMG Guidelines, 2015. Collection method: clinical testing. Allele origin: germline. Affected: yes.
Comment: Gene of Uncertain Significance

NM_015049.3(TRAK2):c.980A>T (p.His327Leu)

Gene: TRAK2 (trafficking kinesin protein 2; minus strand). Cytogenetic location: 2q33.1.
Variant type: single nucleotide variant.
Coding change: c.980A>T on transcript NM_015049.3 (MANE Select); coding-DNA position 980, A replaced by T.
Protein change: p.His327Leu; replaces histidine 327 with leucine.
Molecular consequence: missense variant.
Genome position (GRCh38, 1-based): chr2:201,393,042, T>A on the plus strand (A>T on the coding strand, the complement: TRAK2 is on the minus strand). VCF-style: chr2-201393042-T-A. GRCh37 (hg19) VCF-style: chr2-202257765-T-A.
Other names: short protein forms H327L.
Identifiers: ClinVar variation 1703164 (VCV001703164.3), dbSNP rs1375023692, ClinGen allele CA350285738.
Genomic context (GRCh38, chr2:201,393,042, plus strand): 5'-ATTTCTTCTTGGGATTCATGTAACATTCCTAGACACTCCATATTCCTGTCTTGTAACTCG[T>A]GCAGCTAAAAGAAAGGATGGTAGTGTACTTTATTGCCTTCCCAAAACAACATTAGGGAAA-3'
Protein context (NP_055864.2, residues 317-337): DAQRQLTMEL[His327Leu]ELQDRNMECL